The following is an entry in ClinVar:

ClinVar aggregate classification (germline): Likely benign (1 of 4 stars; one submission).

Conditions:
Seizures, benign familial neonatal, 2. Also called: CONVULSIONS, BENIGN FAMILIAL NEONATAL, 2; KCNQ3-Related Self-Limited Familial Neonatal Epilepsy (SLFNE); Benign Neonatal Epilepsy 2; KCNQ3-Related Benign Familial Neonatal Epilepsy; Seizures, benign neonatal, 2. Identifiers: Orphanet 1949, MedGen C1852581, MONDO:0007366, OMIM 121201.

Allele frequency attached by ClinVar (database versions not stated): gnomAD 0.00003 and 0.00004; 1000 Genomes Project 30x 0.00031; TOPMed 0.00005; 1000 Genomes Project 0.00020.
gnomAD v4.1: 6 of 152,368 alleles (0.0039%); highest among the groups gnomAD compares: African/African-American, 0.0072%; no homozygotes.

Submission:

Illumina Laboratory Services, Illumina
Classification: Likely benign for Seizures, benign familial neonatal, 2. Last evaluated: 2017-04-27. Review status: criteria provided, single submitter. Criteria: ICSL Variant Classification Criteria 13 December 2019. Collection method: clinical testing. Allele origin: germline.
Comment: This variant was observed as part of a predisposition screen in an ostensibly healthy population. A literature search was performed for the gene, cDNA change, and amino acid change (where applicable). No publications were found based on this search. Allele frequency data from public databases allowed determination this variant is unlikely to cause disease. Therefore, this variant is classified as likely benign.

NM_004519.4(KCNQ3):c.*1676T>C

Gene: KCNQ3 (potassium voltage-gated channel subfamily Q member 3; minus strand). Cytogenetic location: 8q24.22.
Variant type: single nucleotide variant.
Coding change: c.*1676T>C on transcript NM_004519.4 (MANE Select); 1676 bases downstream of the stop codon, T replaced by C.
Molecular consequence: 3 prime UTR variant.
Genome position (GRCh38, 1-based): chr8:132,127,586, A>G on the plus strand (T>C on the coding strand, the complement: KCNQ3 is on the minus strand). VCF-style: chr8-132127586-A-G. GRCh37 (hg19) VCF-style: chr8-133139833-A-G.
Other names: c.*1676T>C (NM_001204824.2).
Identifiers: ClinVar variation 361848 (VCV000361848.6), dbSNP rs574831064, ClinGen allele CA10630208.